The following is an entry in ClinVar:

ClinVar aggregate classification (germline): Pathogenic (1 of 4 stars; one submission).

Conditions:
Seizures, benign familial neonatal, 1. Also called: Benign Neonatal Epilepsy 1; KCNQ2-Related Self-Limited Familial Neonatal Epilepsy (SLFNE); KCNQ2-Related Benign Familial Neonatal Epilepsy; Seizures, benign neonatal, 1. Identifiers: Orphanet 1949, MedGen C3149074, MONDO:0007365, OMIM 121200.

Submission:

Victorian Clinical Genetics Services, Murdoch Childrens Research Institute
Classification: Pathogenic for Seizures, benign familial neonatal, 1. Last evaluated: 2025-12-19. Review status: criteria provided, single submitter. Criteria: ACMG Guidelines, 2015. Collection method: clinical testing. Allele origin: germline. Affected: yes.
Comment: This variant is classified as Pathogenic. Evidence in support of pathogenic classification: Variant is predicted to result in an elongated protein; Variant is absent from gnomAD (v2, v3 and v4); Other protein elongation variant(s) comparable to the one identified in this case have very strong previous evidence for pathogenicity (DECIPHER). Additional information: This variant is heterozygous; This gene is associated with autosomal dominant disease; This variant has no previous evidence of pathogenicity; No published evidence of segregation with disease has been identified for this variant; No published functional evidence has been identified for this variant; Dominant negative and loss of function are known mechanisms of disease in this gene and are associated with developmental and epileptic encephalopathy 7 (DEE; MIM#613720) and benign neonatal seizures 1 (BFNS1; MIM#121200), respectively (PMID: 20437616). There is currently no phenotypic correlation in terms of variant types or location (PMID: 31418850); The condition associated with this gene has incomplete penetrance; however, this is only reported for individuals with BFNS1 (PMID: 25959266).

Literature cited by the submitters: PubMed 20437616; PubMed 31418850; PubMed 25959266.

NM_172107.4(KCNQ2):c.1941del (p.Met648fs)

Gene: KCNQ2 (potassium voltage-gated channel subfamily Q member 2; minus strand). Cytogenetic location: 20q13.33.
Variant type: Deletion.
Coding change: c.1941del on transcript NM_172107.4 (MANE Select); coding-DNA position 1941, one base deleted (G; older notation c.1941delG).
Protein change: p.Met648fs; shifts the reading frame from methionine 648.
Molecular consequence: frameshift variant.
Genome position (GRCh38, 1-based): chr20:63,407,322, C deleted on the plus strand (G on the coding strand, the reverse complement: KCNQ2 is on the minus strand); the first of 2 consecutive C bases (chr20:63,407,322-63,407,323); deleting either gives the same sequence. VCF-style (leftmost placement, unchanged base first): chr20-63407321-TC-T. GRCh37 (hg19) VCF-style: chr20-62038674-TC-T.
Other names: c.1995del, p.Met666fs (NM_001382235.1); c.1884del, p.Met629fs (NM_001439003.1); c.1854del, p.Met619fs (NM_001439004.1); c.1857del, p.Met620fs (NM_004518.6); c.1887del, p.Met630fs (NM_172106.3); c.1848del, p.Met617fs (NM_172108.5); short protein forms M617fs, M619fs, M620fs, M629fs, M630fs, M648fs, M666fs.
Identifiers: ClinVar variation 4818967 (VCV004818967.1).